The following is an entry in ClinVar:

NM_014795.4(ZEB2):c.1220dup (p.His407fs)

Gene: ZEB2 (zinc finger E-box binding homeobox 2; minus strand). Cytogenetic location: 2q22.3.
Variant type: Duplication.
Coding change: c.1220dup on transcript NM_014795.4 (MANE Select); coding-DNA position 1220, one base duplicated (A; older notation c.1220dupA).
Protein change: p.His407fs; shifts the reading frame from histidine 407.
Molecular consequence: frameshift variant.
Genome position (GRCh38, 1-based): chr2:144,399,967, T duplicated on the plus strand (A on the coding strand, the reverse complement: ZEB2 is on the minus strand). VCF-style (leftmost placement, unchanged base first): chr2-144399966-G-GT. GRCh37 (hg19) VCF-style: chr2-145157533-G-GT.
Other names: c.1148dup, p.His383fs (NM_001171653.2); short protein forms H383fs, H407fs.
Identifiers: ClinVar variation 4291926 (VCV004291926.1).
Genomic context (GRCh38, chr2:144,399,966, plus strand): 5'-TCCTAAAGGGCTGGTGGCTCCAAGCCCACCATTCATAAAGGGACTAGTGCCACTAAACCC[G>GT]TGTGTAGCCATAAGAACTTTATAGTCATTGAAGTCTAGTGGTTCTGTTTTAATTTTAAGT-3'

ClinVar aggregate classification (germline): Likely pathogenic (1 of 4 stars; one submission).

Conditions:
Mowat-Wilson syndrome (MOWS). Also called: Classic Mowat-Wilson Syndrome. Identifiers: Orphanet 2152, MedGen C1856113, MONDO:0009341, OMIM 235730.

Submission:

3billion
Classification: Likely pathogenic for Mowat-Wilson syndrome. Last evaluated: 2025-02-25. Review status: criteria provided, single submitter. Criteria: ACMG Guidelines, 2015. Collection method: clinical testing. Allele origin: germline. Affected: yes.
Comment: The variant is not observed in the gnomAD v4.1.0 dataset. Predicted Consequence/Location: Frameshift: predicted to result in a loss or disruption of normal protein function through nonsense-mediated decay (NMD) or protein truncation. Multiple pathogenic variants are reported downstream of the variant. Therefore, this variant is classified as Likely pathogenic according to the recommendation of ACMG/AMP guideline.